The following is an entry in ClinVar:

ClinVar aggregate classification (germline): Uncertain significance (1 of 4 stars; one submission).

Conditions:
Focal segmental glomerulosclerosis 5 (FSGS5). Identifiers: Orphanet 656, MedGen C2750475, MONDO:0013191, OMIM 613237.
Charcot-Marie-Tooth disease dominant intermediate E. Also called: CHARCOT-MARIE-TOOTH NEUROPATHY WITH FOCAL SEGMENTAL GLOMERULONEPHRITIS. Identifiers: Orphanet 93114, MedGen C4302667, MONDO:0013758, OMIM 614455.

Allele frequency attached by ClinVar (database versions not stated): gnomAD exomes below 0.00001; TOPMed below 0.00001.
gnomAD v4.1: 1 of 1,551,522 alleles (0.000064%); highest among the groups gnomAD compares: Admixed American, 0.0019%; no homozygotes.

Submission:

Labcorp Genetics (formerly Invitae), Labcorp
Classification: Uncertain significance for Charcot-Marie-Tooth disease dominant intermediate E; Focal segmental glomerulosclerosis 5. Last evaluated: 2025-06-12. Review status: criteria provided, single submitter. Criteria: Invitae Variant Classification Sherloc (09022015). Collection method: clinical testing. Allele origin: germline.
Comment: This sequence change replaces glutamine, which is neutral and polar, with arginine, which is basic and polar, at codon 113 of the INF2 protein (p.Gln113Arg). This variant is not present in population databases (gnomAD no frequency). This missense change has been observed in individual(s) with clinical features of Charcot-Marie-Tooth disease (internal data). ClinVar contains an entry for this variant (Variation ID: 1034781). Invitae Evidence Modeling of protein sequence and biophysical properties (such as structural, functional, and spatial information, amino acid conservation, physicochemical variation, residue mobility, and thermodynamic stability) indicates that this missense variant is not expected to disrupt INF2 protein function with a negative predictive value of 95%. In summary, the available evidence is currently insufficient to determine the role of this variant in disease. Therefore, it has been classified as a Variant of Uncertain Significance.

NM_022489.4(INF2):c.338A>G (p.Gln113Arg)

Gene: INF2 (inverted formin 2; plus strand). Cytogenetic location: 14q32.33.
Variant type: single nucleotide variant.
Coding change: c.338A>G on transcript NM_022489.4 (MANE Select); coding-DNA position 338, A replaced by G.
Protein change: p.Gln113Arg; replaces glutamine 113 with arginine.
Molecular consequence: missense variant.
Genome position (GRCh38, 1-based): chr14:104,701,703, A>G. VCF-style: chr14-104701703-A-G. GRCh37 (hg19) VCF-style: chr14-105168040-A-G.
Other names: c.338A>G, p.Gln113Arg (NM_001031714.4, NM_032714.3); short protein forms Q113R.
Identifiers: ClinVar variation 1034781 (VCV001034781.6), dbSNP rs1889511010, ClinGen allele CA391225911.